The following is an entry in ClinVar:

NM_024675.4(PALB2):c.212-6C>T

Gene: PALB2 (partner and localizer of BRCA2; minus strand). Cytogenetic location: 16p12.2.
Variant type: single nucleotide variant.
Coding change: c.212-6C>T on transcript NM_024675.4 (MANE Select); 6 bases into the intron before coding-DNA position 212, C replaced by T.
Molecular consequence: intron variant.
Genome position (GRCh38, 1-based): chr16:23,636,340, G>A on the plus strand (C>T on the coding strand, the complement: PALB2 is on the minus strand). VCF-style: chr16-23636340-G-A. GRCh37 (hg19) VCF-style: chr16-23647661-G-A.
Identifiers: ClinVar variation 803241 (VCV000803241.7), dbSNP rs1416424510, ClinGen allele CA621335384.

ClinVar aggregate classification (germline): Likely benign. Review status: criteria provided, multiple submitters, no conflicts (2 of 4 stars). 3 submissions from 3 submitters: Likely benign (3). Last evaluated 2025-01-10.

Conditions:
Familial cancer of breast. Also called: BREAST CANCER, FAMILIAL; Hereditary breast cancer; hereditary breast carcinoma. Identifiers: Orphanet 227535, MedGen C0346153, MONDO:0016419, OMIM 114480. Disease mechanism: loss of function.

Allele frequency attached by ClinVar (database versions not stated): gnomAD exomes 0.00001.

Submissions (3):

Myriad Genetics, Inc.
Classification: Likely benign for Familial cancer of breast. Last evaluated: 2025-01-10. Review status: criteria provided, single submitter. Criteria: Myriad Autosomal Dominant, Autosomal Recessive and X-Linked Classification Criteria (2023). Collection method: clinical testing. Allele origin: unknown.
Comment: This variant is considered likely benign. This variant is intronic and is not expected to impact mRNA splicing.

Labcorp Genetics (formerly Invitae), Labcorp
Classification: Likely benign for Familial cancer of breast. Last evaluated: 2022-06-24. Review status: criteria provided, single submitter. Criteria: Invitae Variant Classification Sherloc (09022015). Collection method: clinical testing. Allele origin: germline.

Mendelics
Classification: Likely benign for Familial cancer of breast. Last evaluated: 2019-05-28. Review status: criteria provided, single submitter. Criteria: Mendelics Assertion Criteria 2017. Collection method: clinical testing. Allele origin: unknown.